The following is an entry in ClinVar:

NM_001159773.2(CANT1):c.112dup (p.Arg38fs)

Gene: CANT1 (calcium activated nucleotidase 1; minus strand). Cytogenetic location: 17q25.3.
Variant type: Duplication.
Coding change: c.112dup on transcript NM_001159773.2 (MANE Select); coding-DNA position 112, one base duplicated (C; older notation c.112dupC).
Protein change: p.Arg38fs; shifts the reading frame from arginine 38.
Molecular consequence: frameshift variant.
Genome position (GRCh38, 1-based): chr17:78,997,511, G duplicated on the plus strand (C on the coding strand, the reverse complement: CANT1 is on the minus strand); the first of 5 consecutive G bases (chr17:78,997,511-78,997,515); duplicating any one gives the same sequence. VCF-style (leftmost placement, unchanged base first): chr17-78997510-C-CG. GRCh37 (hg19) VCF-style: chr17-76993592-C-CG.
Other names: c.112dup, p.Arg38fs (NM_001159772.2, NM_138793.4); short protein forms R38fs.
Identifiers: ClinVar variation 3013338 (VCV003013338.3), dbSNP rs2509813177, ClinGen allele CA2740093937.

ClinVar aggregate classification (germline): Pathogenic (1 of 4 stars; one submission).

Submission:

Labcorp Genetics (formerly Invitae), Labcorp
Classification: Pathogenic. Last evaluated: 2023-07-16. Review status: criteria provided, single submitter. Criteria: Invitae Variant Classification Sherloc (09022015). Collection method: clinical testing. Allele origin: germline.
Comment: For these reasons, this variant has been classified as Pathogenic. This variant has not been reported in the literature in individuals affected with CANT1-related conditions. This variant is not present in population databases (gnomAD no frequency). This sequence change creates a premature translational stop signal (p.Arg38Profs*52) in the CANT1 gene. It is expected to result in an absent or disrupted protein product. Loss-of-function variants in CANT1 are known to be pathogenic (PMID: 19853239, 21037275, 22539336).

Literature cited by the submitters: PubMed 19853239; PubMed 21037275; PubMed 22539336.